The following is an entry in ClinVar:

NM_001378452.1(ITPR1):c.693C>T (p.Asp231=)

Gene: ITPR1 (inositol 1,4,5-trisphosphate receptor type 1; plus strand). Cytogenetic location: 3p26.1.
Variant type: single nucleotide variant.
Coding change: c.693C>T on transcript NM_001378452.1 (MANE Select); coding-DNA position 693, C replaced by T.
Protein change: p.Asp231=; no amino-acid change (aspartic acid 231 retained).
Molecular consequence: synonymous variant.
Genome position (GRCh38, 1-based): chr3:4,645,455, C>T. VCF-style: chr3-4645455-C-T. GRCh37 (hg19) VCF-style: chr3-4687139-C-T.
Other names: c.693C>T, p.Asp231= (NM_001099952.4, NM_001168272.2, NM_002222.7).
Identifiers: ClinVar variation 740525 (VCV000740525.14), dbSNP rs545754582, ClinGen allele CA2230918.

ClinVar aggregate classification (germline): Likely benign. Review status: criteria provided, multiple submitters, no conflicts (2 of 4 stars). 4 submissions from 4 submitters: Likely benign (3). 1 of the submissions does not count toward it. Last evaluated 2025-06-22.

Conditions:
ITPR1-related disorder. Also called: ITPR1-related condition.
Autosomal dominant cerebellar ataxia. Also called: Spinocerebellar Ataxia, Dominant. Identifiers: Orphanet 99, MedGen C4087347, MONDO:0020380.

Allele frequency attached by ClinVar (database versions not stated): gnomAD exomes 0.00003; ExAC 0.00004; gnomAD 0.00005 and 0.00007; TOPMed 0.00006; 1000 Genomes Project 30x 0.00016; 1000 Genomes Project 0.00020.
gnomAD v4.1: 87 of 1,612,492 alleles (0.0054%); highest among the groups gnomAD compares: Middle Eastern, 0.033%; 2 homozygotes.

Submissions (4):

Labcorp Genetics (formerly Invitae), Labcorp
Classification: Likely benign. Last evaluated: 2025-06-22. Review status: criteria provided, single submitter. Criteria: Invitae Variant Classification Sherloc (09022015). Collection method: clinical testing. Allele origin: germline.

Blueprint Genetics
Classification: Likely benign. Last evaluated: 2024-09-06. Review status: criteria provided, single submitter. Criteria: ACMG Guidelines, 2015. Collection method: clinical testing. Allele origin: germline.

Illumina Laboratory Services, Illumina
Classification: Likely benign for Spinocerebellar Ataxia, Dominant. Last evaluated: 2018-01-13. Review status: criteria provided, single submitter. Criteria: ICSL Variant Classification Criteria 13 December 2019. Collection method: clinical testing. Allele origin: germline.
Comment: This variant was observed in the ICSL laboratory as part of a predisposition screen in an ostensibly healthy population. It had not been previously curated by ICSL or reported in the Human Gene Mutation Database (HGMD: prior to June 1st, 2018), and was therefore a candidate for classification through an automated scoring system. Utilizing variant allele frequency, disease prevalence and penetrance estimates, and inheritance mode, an automated score was calculated to assess if this variant is too frequent to cause the disease. Based on the score and internal cut-off values, a variant classified as likely benign is not then subjected to further curation. The score for this variant resulted in a classification of likely benign for this disease.

PreventionGenetics, part of Exact Sciences
Classification: Likely benign for ITPR1-related condition. Last evaluated: 2022-06-07. Review status: no assertion criteria provided. Collection method: clinical testing. Allele origin: germline. Not counted in ClinVar's aggregate classification.
Comment: This variant is classified as likely benign based on ACMG/AMP sequence variant interpretation guidelines (Richards et al. 2015 PMID: 25741868, with internal and published modifications).